The following is an entry in ClinVar:

ClinVar aggregate classification (germline): Uncertain significance (1 of 4 stars; one submission).

Submission:

Labcorp Genetics (formerly Invitae), Labcorp
Classification: Uncertain significance. Last evaluated: 2025-01-07. Review status: criteria provided, single submitter. Criteria: Invitae Variant Classification Sherloc (09022015). Collection method: clinical testing. Allele origin: germline.
Comment: This sequence change replaces isoleucine, which is neutral and non-polar, with asparagine, which is neutral and polar, at codon 776 of the ALPK3 protein (p.Ile776Asn). This variant is not present in population databases (gnomAD no frequency). This variant has not been reported in the literature in individuals affected with ALPK3-related conditions. Invitae Evidence Modeling of protein sequence and biophysical properties (such as structural, functional, and spatial information, amino acid conservation, physicochemical variation, residue mobility, and thermodynamic stability) indicates that this missense variant is not expected to disrupt ALPK3 protein function with a negative predictive value of 80%. In summary, the available evidence is currently insufficient to determine the role of this variant in disease. Therefore, it has been classified as a Variant of Uncertain Significance.

NM_020778.5(ALPK3):c.1721T>A (p.Ile574Asn)

Gene: ALPK3 (alpha kinase 3; plus strand). Cytogenetic location: 15q25.3.
Variant type: single nucleotide variant.
Coding change: c.1721T>A on transcript NM_020778.5 (MANE Select); coding-DNA position 1721, T replaced by A.
Protein change: p.Ile574Asn; replaces isoleucine 574 with asparagine.
Molecular consequence: missense variant.
Genome position (GRCh38, 1-based): chr15:84,856,459, T>A. VCF-style: chr15-84856459-T-A. GRCh37 (hg19) VCF-style: chr15-85399690-T-A.
Other names: short protein forms I574N.
Identifiers: ClinVar variation 3666587 (VCV003666587.2).
Genomic context (GRCh38, chr15:84,856,459, plus strand): 5'-AATGCCAGACAACCACGGCTCCTACCATGTCGGCCAGCAGCAGCTCTGATGTAGCCTCCA[T>A]TGGGGTTAGCACTTCCGGAAGTCAAGGTATCATTGAACCCATGGATATGGAAACCCAGGA-3'
Protein context (NP_065829.4, residues 564-584): SASSSSDVAS[Ile574Asn]GVSTSGSQGI